The following is an entry in ClinVar:

ClinVar aggregate classification (germline): Likely benign (1 of 4 stars; one submission).

Conditions:
COL4A6-related disorder. Also called: COL4A6-related condition.

gnomAD v4.1: 2 of 1,209,968 alleles (0.00017%); highest among the groups gnomAD compares: Non-Finnish European, 0.00022%; no homozygotes.

Submission:

PreventionGenetics, part of Exact Sciences
Classification: Likely benign for COL4A6-related condition. Last evaluated: 2024-10-17. Review status: criteria provided, single submitter. Criteria: ACMG Guidelines, 2015. Collection method: clinical testing. Allele origin: germline.
Comment: This variant is classified as likely benign based on ACMG/AMP sequence variant interpretation guidelines (Richards et al. 2015 PMID: 25741868, with internal and published modifications).

NM_033641.4(COL4A6):c.4821C>T (p.Ala1607=)

Gene: COL4A6 (collagen type IV alpha 6 chain; minus strand). Cytogenetic location: Xq22.3.
Variant type: single nucleotide variant.
Coding change: c.4821C>T on transcript NM_033641.4 (MANE Select); coding-DNA position 4821, C replaced by T.
Protein change: p.Ala1607=; no amino-acid change (alanine 1607 retained).
Molecular consequence: synonymous variant.
Genome position (GRCh38, 1-based): chrX:108,157,252, G>A on the plus strand (C>T on the coding strand, the complement: COL4A6 is on the minus strand). VCF-style: chrX-108157252-G-A. GRCh37 (hg19) VCF-style: chrX-107400482-G-A.
Other names: c.4872C>T, p.Ala1624= (NM_001287758.2); c.4749C>T, p.Ala1583= (NM_001287759.2); c.4650C>T, p.Ala1550= (NM_001287760.2); c.4824C>T, p.Ala1608= (NM_001847.4).
Identifiers: ClinVar variation 4987604 (VCV004987604.1).